The following is an entry in ClinVar:

NM_001372078.1(REV3L):c.3927G>T (p.Gln1309His)

Gene: REV3L (REV3 like, DNA directed polymerase zeta catalytic subunit; minus strand). Cytogenetic location: 6q21.
Variant type: single nucleotide variant.
Coding change: c.3927G>T on transcript NM_001372078.1 (MANE Select); coding-DNA position 3927, G replaced by T.
Protein change: p.Gln1309His; replaces glutamine 1309 with histidine.
Molecular consequence: missense variant.
Genome position (GRCh38, 1-based): chr6:111,374,428, C>A on the plus strand (G>T on the coding strand, the complement: REV3L is on the minus strand). VCF-style: chr6-111374428-C-A. GRCh37 (hg19) VCF-style: chr6-111695631-C-A.
Other names: NC_000006.11:g.111695631C>A; c.3693G>T, p.Gln1231His (NM_001286431.2, NM_001286432.2); c.3927G>T, p.Gln1309His (NM_002912.5); short protein forms Q1231H, Q1309H.
Identifiers: ClinVar variation 778920 (VCV000778920.7), dbSNP rs3218595, ClinGen allele CA3962112.

ClinVar aggregate classification (germline): Benign. Review status: criteria provided, single submitter (1 of 4 stars). 2 submissions from 2 submitters: Benign (1). 1 of the submissions does not count toward it. Last evaluated 2019-12-31.

Conditions:
REV3L-related disorder. Also called: REV3L-related condition.

Allele frequency attached by ClinVar (database versions not stated): gnomAD exomes 0.00206 and 0.00514; ExAC 0.00633; gnomAD 0.02002 and 0.02136; ESP Exome Variant Server 0.02130; TOPMed 0.02221; 1000 Genomes Project 0.02256; 1000 Genomes Project 30x 0.02436.
gnomAD v4.1: 6,174 of 1,613,898 alleles (0.38%); highest among the groups gnomAD compares: African/African-American, 7%; 186 homozygotes.

Submissions (6):

Labcorp Genetics (formerly Invitae), Labcorp
Classification: Benign. Last evaluated: 2019-12-31. Review status: criteria provided, single submitter. Criteria: Invitae Variant Classification Sherloc (09022015). Collection method: clinical testing. Allele origin: germline.

PreventionGenetics, part of Exact Sciences
Classification: Benign for REV3L-related condition. Last evaluated: 2019-04-02. Review status: no assertion criteria provided. Collection method: clinical testing. Allele origin: germline. Not counted in ClinVar's aggregate classification.
Comment: This variant is classified as benign based on ACMG/AMP sequence variant interpretation guidelines (Richards et al. 2015 PMID: 25741868, with internal and published modifications).

Dr. Peter K. Rogan Lab, Western University
No classification provided (evidence only). Condition: Thyroid cancer, nonmedullary, 1. Review status: no classification provided. Collection method: in vitro. Allele origin: not applicable. Functional consequence: retained intron. Not counted in ClinVar's aggregate classification.

Dr. Peter K. Rogan Lab, Western University
No classification provided (evidence only). Condition: Thymoma. Review status: no classification provided. Collection method: in vitro. Allele origin: not applicable. Functional consequence: retained intron. Not counted in ClinVar's aggregate classification.

Dr. Peter K. Rogan Lab, Western University
No classification provided (evidence only). Condition: Ovarian serous cystadenocarcinoma. Review status: no classification provided. Collection method: in vitro. Allele origin: not applicable. Functional consequence: retained intron. Not counted in ClinVar's aggregate classification.

Dr. Peter K. Rogan Lab, Western University
No classification provided (evidence only). Condition: Gastric cancer. Review status: no classification provided. Collection method: in vitro. Allele origin: not applicable. Functional consequence: retained intron. Not counted in ClinVar's aggregate classification.